The following is an entry in ClinVar:

NM_002024.6(FMR1):c.631-12A>G

Gene: FMR1 (fragile X messenger ribonucleoprotein 1; plus strand). Cytogenetic location: Xq27.3.
Variant type: single nucleotide variant.
Coding change: c.631-12A>G on transcript NM_002024.6 (MANE Select); 12 bases into the intron before coding-DNA position 631, A replaced by G.
Molecular consequence: intron variant.
Genome position (GRCh38, 1-based): chrX:147,932,413, A>G. VCF-style: chrX-147932413-A-G. GRCh37 (hg19) VCF-style: chrX-147013932-A-G.
Other names: c.631-12A>G (NM_001185075.2, NM_001185076.2, NM_001185082.2 and 1 more transcripts).
Identifiers: ClinVar variation 5041057 (VCV005041057.1).

ClinVar aggregate classification (germline): Likely benign (1 of 4 stars; one submission).

gnomAD v4.1: 277 of 1,205,200 alleles (0.023%); highest among the groups gnomAD compares: Non-Finnish European, 0.029%; no homozygotes.

Submission:

CeGaT Center for Human Genetics Tuebingen
Classification: Likely benign. Last evaluated: 2026-09-01. Review status: criteria provided, single submitter. Criteria: CeGaT Center For Human Genetics Tuebingen Variant Classification Criteria Version 2. Collection method: clinical testing. Allele origin: germline. Affected: yes. Observed: 1 variant allele.
Comment: FMR1: BS2